The following is an entry in ClinVar:

NM_003482.4(KMT2D):c.13571G>A (p.Arg4524Gln)

Gene: KMT2D (lysine methyltransferase 2D; minus strand). Cytogenetic location: 12q13.12.
Variant type: single nucleotide variant.
Coding change: c.13571G>A on transcript NM_003482.4 (MANE Select); coding-DNA position 13571, G replaced by A.
Protein change: p.Arg4524Gln; replaces arginine 4524 with glutamine.
Molecular consequence: missense variant.
Genome position (GRCh38, 1-based): chr12:49,030,993, C>T on the plus strand (G>A on the coding strand, the complement: KMT2D is on the minus strand). VCF-style: chr12-49030993-C-T. GRCh37 (hg19) VCF-style: chr12-49424776-C-T.
Other names: short protein forms R4524Q.
Identifiers: ClinVar variation 4799561 (VCV004799561.2).

ClinVar aggregate classification (germline): Conflicting classifications of pathogenicity. Review status: criteria provided, conflicting classifications (1 of 4 stars). 2 submissions from 2 submitters: Uncertain significance (1); Likely benign (1). Last evaluated 2025-12-01.

Conditions:
Kabuki syndrome. Also called: Kabuki make-up syndrome; NIIKAWA-KUROKI SYNDROME. Identifiers: Orphanet 2322, MedGen C0796004, MONDO:0016512.
KMT2D-related disorder. Also called: KMT2D-Related Disorders.

gnomAD v4.1: 6 of 1,613,848 alleles (0.00037%); highest among the groups gnomAD compares: East Asian, 0.0022%; no homozygotes.

Submissions (2):

PreventionGenetics, part of Exact Sciences
Classification: Uncertain significance for KMT2D-related condition. Last evaluated: 2025-12-01. Review status: criteria provided, single submitter. Criteria: ACMG Guidelines, 2015. Collection method: clinical testing. Allele origin: germline.
Comment: The KMT2D c.13571G>A variant is predicted to result in the amino acid substitution p.Arg4524Gln. This variant is reported in 0.0056% of alleles in individuals of East Asian descent in gnomAD. This variant could be benign. At this time, the clinical significance of this variant is uncertain due to the absence of conclusive functional and genetic evidence.

Labcorp Genetics (formerly Invitae), Labcorp
Classification: Likely benign for Kabuki syndrome. Last evaluated: 2025-10-14. Review status: criteria provided, single submitter. Criteria: Invitae Variant Classification Sherloc (09022015). Collection method: clinical testing. Allele origin: germline.